The following is an entry in ClinVar:

NM_001382391.1(CSPP1):c.3439A>C (p.Asn1147His)

Genes: ARFGEF1 (ARF guanine nucleotide exchange factor 1; minus strand), CSPP1 (centrosome and spindle pole associated protein 1; plus strand). Cytogenetic location: 8q13.2.
Variant type: single nucleotide variant.
Coding change: c.3439A>C on transcript NM_001382391.1 (MANE Select); coding-DNA position 3439, A replaced by C.
Protein change: p.Asn1147His; replaces asparagine 1147 with histidine.
Molecular consequence: missense variant. On other transcripts: intron variant (3).
Genome position (GRCh38, 1-based): chr8:67,193,572, A>C. VCF-style: chr8-67193572-A-C. GRCh37 (hg19) VCF-style: chr8-68105807-A-C.
Other names: c.2389A>C, p.Asn797His (NM_001291339.2); c.3358A>C, p.Asn1120His (NM_001363131.2); c.3244A>C, p.Asn1082His (NM_001363132.2); c.3163A>C, p.Asn1055His (NM_001363133.2); c.3505A>C, p.Asn1169His (NM_001364869.1); c.3325A>C, p.Asn1109His (NM_001364870.1); c.3271A>C, p.Asn1091His (NM_001438330.1); c.2740A>C, p.Asn914His (NM_001438332.1); and 4 more; short protein forms N1147H, N1120H, N1142H, N1169H, N1055H, N1082H, N1109H, N797H.
Identifiers: ClinVar variation 2149188 (VCV002149188.3), dbSNP rs1351267364, ClinGen allele CA371203199.

ClinVar aggregate classification (germline): Uncertain significance (1 of 4 stars; one submission).

Conditions:
Joubert syndrome 21 (JBTS21). Identifiers: MedGen C3810212, MONDO:0014288, OMIM 615636.

Allele frequency attached by ClinVar (database versions not stated): gnomAD 0.00001; TOPMed below 0.00001.
gnomAD v4.1: 2 of 1,613,626 alleles (0.00012%); highest among the groups gnomAD compares: Admixed American, 0.0033%; no homozygotes.

Submission:

Labcorp Genetics (formerly Invitae), Labcorp
Classification: Uncertain significance for Joubert syndrome 21. Last evaluated: 2022-06-26. Review status: criteria provided, single submitter. Criteria: Invitae Variant Classification Sherloc (09022015). Collection method: clinical testing. Allele origin: germline.
Comment: In summary, the available evidence is currently insufficient to determine the role of this variant in disease. Therefore, it has been classified as a Variant of Uncertain Significance. Algorithms developed to predict the effect of missense changes on protein structure and function are either unavailable or do not agree on the potential impact of this missense change (SIFT: "Tolerated"; PolyPhen-2: "Probably Damaging"; Align-GVGD: "Class C0"). This variant has not been reported in the literature in individuals affected with CSPP1-related conditions. This variant is present in population databases (no rsID available, gnomAD 0.003%). This sequence change replaces asparagine, which is neutral and polar, with histidine, which is basic and polar, at codon 1142 of the CSPP1 protein (p.Asn1142His).